The following is an entry in ClinVar:

ClinVar aggregate classification (germline): Conflicting classifications of pathogenicity. Review status: criteria provided, conflicting classifications (1 of 4 stars). 5 submissions from 5 submitters: Uncertain significance (3); Likely benign (2). Last evaluated 2025-10-06.

Conditions:
Hereditary breast ovarian cancer syndrome. Also called: Hereditary breast and ovarian cancer; Hereditary breast and/or ovarian cancer syndrome; BRCA1- and BRCA2-Associated Hereditary Breast and Ovarian Cancer; Hereditary breast and ovarian cancer syndrome; Hereditary breast and ovarian cancer syndrome (HBOC); Breast and ovarian cancer. Identifiers: Orphanet 145, MedGen C0677776, MeSH D061325, MONDO:0003582. Disease mechanism: loss of function.
Hereditary cancer-predisposing syndrome. Also called: Tumor predisposition; Hereditary Cancer Syndrome; Hereditary neoplastic syndrome; Neoplastic Syndromes, Hereditary. Identifiers: Orphanet 140162, MedGen C0027672, MeSH D009386, MONDO:0015356.

Allele frequency attached by ClinVar (database versions not stated): TOPMed below 0.00001; gnomAD 0.00001.
gnomAD v4.1: 2 of 1,613,190 alleles (0.00012%); highest among the groups gnomAD compares: Non-Finnish European, 0.00017%; no homozygotes.

Submissions (5):

Labcorp Genetics (formerly Invitae), Labcorp
Classification: Uncertain significance for Hereditary breast ovarian cancer syndrome. Last evaluated: 2025-10-06. Review status: criteria provided, single submitter. Criteria: Invitae Variant Classification Sherloc (09022015). Collection method: clinical testing. Allele origin: germline.
Comment: This sequence change replaces cysteine, which is neutral and slightly polar, with glycine, which is neutral and non-polar, at codon 1621 of the BRCA2 protein (p.Cys1621Gly). This variant is not present in population databases (gnomAD no frequency). This variant has not been reported in the literature in individuals affected with BRCA2-related conditions. ClinVar contains an entry for this variant (Variation ID: 409477). Invitae Evidence Modeling of protein sequence and biophysical properties (such as structural, functional, and spatial information, amino acid conservation, physicochemical variation, residue mobility, and thermodynamic stability) indicates that this missense variant is not expected to disrupt BRCA2 protein function with a negative predictive value of 95%. In summary, the available evidence is currently insufficient to determine the role of this variant in disease. Therefore, it has been classified as a Variant of Uncertain Significance.

Ambry Genetics
Classification: Likely benign for Hereditary cancer-predisposing syndrome. Last evaluated: 2024-03-28. Review status: criteria provided, single submitter. Criteria: Ambry Variant Classification Scheme 2023. Collection method: clinical testing. Allele origin: germline.

University of Washington Department of Laboratory Medicine, University of Washington
Classification: Likely benign for Hereditary cancer-predisposing syndrome. Last evaluated: 2023-03-23. Review status: criteria provided, single submitter. Criteria: Dines et al. (Genet Med. 2020). Collection method: curation. Allele origin: germline.
Comment: Missense variant in a coldspot region where missense variants are very unlikely to be pathogenic (PMID:31911673).

BRCA2 exon 11 coldspot. Reclassification based on statistical prior probability.

Women's Health and Genetics/Laboratory Corporation of America, LabCorp
Classification: Uncertain significance. Last evaluated: 2021-12-02. Review status: criteria provided, single submitter. Criteria: LabCorp Variant Classification Summary - May 2015. Collection method: clinical testing. Allele origin: germline.
Comment: Variant summary: BRCA2 c.4861T>G (p.Cys1621Gly) results in a non-conservative amino acid change in the encoded protein sequence. Three of four in-silico tools predict a benign effect of the variant on protein function. The variant was absent in 249826 control chromosomes (gnomAD). The available data on variant occurrences in the general population are insufficient to allow any conclusion about variant significance. A recent publication involving the ENIGMA network of collaborators (Parsons_2019) reported the variant in one family and assigned a classification of likely benign based on likelihood ratios (LRs) for pathogenicity estimated from clinical data of co-occurrence, family history and bioinformatic predictions; however, no evidence was provided for independent assessment. To our knowledge, no experimental evidence demonstrating an impact on protein function has been reported. Three ClinVar submitters (evaluation after 2014) cite the variant as uncertain significance. Based on the evidence outlined above, the variant was classified as uncertain significance.

Color Diagnostics, LLC DBA Color Health
Classification: Uncertain significance for Hereditary cancer-predisposing syndrome. Last evaluated: 2021-11-02. Review status: criteria provided, single submitter. Criteria: ACMG Guidelines, 2015. Collection method: clinical testing. Allele origin: germline.
Comment: This missense variant replaces cysteine with glycine at codon 1621 of the BRCA2 protein. Computational prediction suggests that this variant may not impact protein structure and function (internally defined REVEL score threshold <= 0.5, PMID: 27666373). To our knowledge, functional studies have not been reported for this variant. A multifactorial analysis reported a co-occurrence and family history likelihood ratios for pathogenicity of 1.0246 and 0.3748, respectively (PMID: 31131967). This variant has not been identified in the general population by the Genome Aggregation Database (gnomAD). The available evidence is insufficient to determine the role of this variant in disease conclusively. Therefore, this variant is classified as a Variant of Uncertain Significance.

Literature cited by the submitters: PubMed 31131967 (cited by Women's Health and Genetics/Laboratory Corporation of America, LabCorp and Color Diagnostics, LLC DBA Color Health); PubMed 31112341 (cited by Women's Health and Genetics/Laboratory Corporation of America, LabCorp); PubMed 31294896 (cited by Women's Health and Genetics/Laboratory Corporation of America, LabCorp).

NM_000059.4(BRCA2):c.4861T>G (p.Cys1621Gly)

Gene: BRCA2 (BRCA2 DNA repair associated; plus strand). Cytogenetic location: 13q13.1.
Variant type: single nucleotide variant.
Coding change: c.4861T>G on transcript NM_000059.4 (MANE Select); coding-DNA position 4861, T replaced by G.
Protein change: p.Cys1621Gly; replaces cysteine 1621 with glycine.
Molecular consequence: missense variant.
Genome position (GRCh38, 1-based): chr13:32,339,216, T>G. VCF-style: chr13-32339216-T-G. GRCh37 (hg19) VCF-style: chr13-32913353-T-G.
Other names: short protein forms C1621G.
Identifiers: ClinVar variation 409477 (VCV000409477.25), dbSNP rs1060502419, ClinGen allele CA16613886.